The following is an entry in ClinVar:

ClinVar aggregate classification (germline): Uncertain significance (1 of 4 stars; one submission).

Allele frequency attached by ClinVar (database versions not stated): gnomAD exomes below 0.00001; TOPMed below 0.00001.
gnomAD v4.1: 1 of 1,614,046 alleles (0.000062%); highest among the groups gnomAD compares: Admixed American, 0.0017%; no homozygotes.

Submission:

Labcorp Genetics (formerly Invitae), Labcorp
Classification: Uncertain significance. Last evaluated: 2022-08-08. Review status: criteria provided, single submitter. Criteria: Invitae Variant Classification Sherloc (09022015). Collection method: clinical testing. Allele origin: germline.
Comment: In summary, the available evidence is currently insufficient to determine the role of this variant in disease. Therefore, it has been classified as a Variant of Uncertain Significance. Algorithms developed to predict the effect of missense changes on protein structure and function are either unavailable or do not agree on the potential impact of this missense change (SIFT: "Tolerated"; PolyPhen-2: "Possibly Damaging"; Align-GVGD: "Class C0"). This variant has not been reported in the literature in individuals affected with IMPG2-related conditions. This variant is present in population databases (no rsID available, gnomAD 0.003%). This sequence change replaces leucine, which is neutral and non-polar, with tryptophan, which is neutral and slightly polar, at codon 890 of the IMPG2 protein (p.Leu890Trp).

NM_016247.4(IMPG2):c.2669T>G (p.Leu890Trp)

Gene: IMPG2 (interphotoreceptor matrix proteoglycan 2; minus strand). Cytogenetic location: 3q12.3.
Variant type: single nucleotide variant.
Coding change: c.2669T>G on transcript NM_016247.4 (MANE Select); coding-DNA position 2669, T replaced by G.
Protein change: p.Leu890Trp; replaces leucine 890 with tryptophan.
Molecular consequence: missense variant.
Genome position (GRCh38, 1-based): chr3:101,243,662, A>C on the plus strand (T>G on the coding strand, the complement: IMPG2 is on the minus strand). VCF-style: chr3-101243662-A-C. GRCh37 (hg19) VCF-style: chr3-100962506-A-C.
Other names: short protein forms L890W.
Identifiers: ClinVar variation 1715655 (VCV001715655.5), dbSNP rs1363774103, ClinGen allele CA353856133.